The following is an entry in ClinVar:

ClinVar aggregate classification (germline): Likely pathogenic (1 of 4 stars; one submission).

Conditions:
Retinitis pigmentosa 93. Identifiers: MedGen C5676970, MONDO:0030797, OMIM 619845.
COACH syndrome 2. Identifiers: MedGen C5436837, MONDO:0030859, OMIM 619111.
Joubert syndrome 9 (JBTS9). Identifiers: Orphanet 2318, MedGen C2676788, MONDO:0012849, OMIM 612285.
Meckel syndrome, type 6. Identifiers: Orphanet 564, MedGen C2676790, MONDO:0012848, OMIM 612284.

gnomAD v4.1: 1 of 1,583,990 alleles (0.000063%); highest among the groups gnomAD compares: South Asian, 0.0011%; no homozygotes.

Submission:

Juno Genomics, Hangzhou Juno Genomics, Inc
Classification: Likely pathogenic for COACH syndrome 2; Joubert syndrome 9; Meckel syndrome, type 6; Retinitis pigmentosa 93. Review status: criteria provided, single submitter. Criteria: ACMG Guidelines, 2015. Collection method: clinical testing. Allele origin: germline.
Comment: Null variant in a gene where loss of function (LOF) is a known mechanism of disease.;Absent from controls (or at extremely low frequency if recessive) in Genome Aggregation Database.

NM_001378615.1(CC2D2A):c.2338+1G>A

Genes: CC2D2A (coiled-coil and C2 domain containing 2A; plus strand), FBXL5 (F-box and leucine rich repeat protein 5; minus strand). Cytogenetic location: 4p15.32.
Variant type: single nucleotide variant.
Coding change: c.2338+1G>A on transcript NM_001378615.1 (MANE Select); the canonical splice donor site of the intron after coding-DNA position 2338, G replaced by A.
Molecular consequence: splice donor variant.
Genome position (GRCh38, 1-based): chr4:15,550,981, G>A. VCF-style: chr4-15550981-G-A. GRCh37 (hg19) VCF-style: chr4-15552604-G-A.
Other names: c.2338+1G>A (NM_001080522.2); c.2191+1G>A (NM_001378617.1).
Identifiers: ClinVar variation 5006740 (VCV005006740.2).